The following is an entry in ClinVar:

ClinVar aggregate classification (germline): Uncertain significance (1 of 4 stars; one submission).

Conditions:
Brachyolmia-amelogenesis imperfecta syndrome. Also called: PLATYSPONDYLY WITH AMELOGENESIS IMPERFECTA; Tooth agenesis, selective, 6; Dental anomalies and short stature. Identifiers: Orphanet 2899, MedGen C1832594, MONDO:0011018, OMIM 601216. Disease mechanism: loss of function.

Submission:

Labcorp Genetics (formerly Invitae), Labcorp
Classification: Uncertain significance for Brachyolmia-amelogenesis imperfecta syndrome. Last evaluated: 2023-10-22. Review status: criteria provided, single submitter. Criteria: Invitae Variant Classification Sherloc (09022015). Collection method: clinical testing. Allele origin: germline.
Comment: This sequence change replaces valine, which is neutral and non-polar, with leucine, which is neutral and non-polar, at codon 380 of the LTBP3 protein (p.Val380Leu). This variant is not present in population databases (gnomAD no frequency). This variant has not been reported in the literature in individuals affected with LTBP3-related conditions. An algorithm developed to predict the effect of missense changes on protein structure and function (PolyPhen-2) suggests that this variant is likely to be tolerated. In summary, the available evidence is currently insufficient to determine the role of this variant in disease. Therefore, it has been classified as a Variant of Uncertain Significance.

NM_001130144.3(LTBP3):c.1138G>C (p.Val380Leu)

Gene: LTBP3 (latent transforming growth factor beta binding protein 3; minus strand). Cytogenetic location: 11q13.1.
Variant type: single nucleotide variant.
Coding change: c.1138G>C on transcript NM_001130144.3 (MANE Select); coding-DNA position 1138, G replaced by C.
Protein change: p.Val380Leu; replaces valine 380 with leucine.
Molecular consequence: missense variant.
Genome position (GRCh38, 1-based): chr11:65,552,908, C>G on the plus strand (G>C on the coding strand, the complement: LTBP3 is on the minus strand). VCF-style: chr11-65552908-C-G. GRCh37 (hg19) VCF-style: chr11-65320379-C-G.
Other names: c.787G>C, p.Val263Leu (NM_001164266.1); c.1138G>C, p.Val380Leu (NM_021070.4); short protein forms V380L, V263L.
Identifiers: ClinVar variation 2770839 (VCV002770839.3), dbSNP rs2496171983, ClinGen allele CA381274280.
Genomic context (GRCh38, chr11:65,552,908, plus strand): 5'-CCCAGGTCTCACCAATGCACTGTGTACGGGAGGGGCCTAAACTATGGCCAGGTGGGCAGA[C>G]ACAGCGATAGGAGCCAGGGTTGTTGAGGCAGTCACCATGGCGACACACGCCCGGCATTGC-3'
Protein context (NP_001123616.1, residues 370-390): CLNNPGSYRC[Val380Leu]CPPGHSLGPS